The following is an entry in ClinVar:

NM_022065.5(THADA):c.3210T>G (p.Leu1070=)

Gene: THADA (THADA armadillo repeat containing; minus strand). Cytogenetic location: 2p21.
Variant type: single nucleotide variant.
Coding change: c.3210T>G on transcript NM_022065.5 (MANE Select); coding-DNA position 3210, T replaced by G.
Protein change: p.Leu1070=; no amino-acid change (leucine 1070 retained).
Molecular consequence: synonymous variant. On other transcripts: non-coding transcript variant (2).
Genome position (GRCh38, 1-based): chr2:43,541,213, A>C on the plus strand (T>G on the coding strand, the complement: THADA is on the minus strand). VCF-style: chr2-43541213-A-C. GRCh37 (hg19) VCF-style: chr2-43768352-A-C.
Other names: c.3210T>G, p.Leu1070= (NM_001083953.2, NM_001345925.2); c.3207T>G, p.Leu1069= (NM_001345923.2); c.3087T>G, p.Leu1029= (NM_001345924.2); c.2340T>G, p.Leu780= (NM_198554.1).
Identifiers: ClinVar variation 3049606 (VCV003049606.2), dbSNP rs181440554, ClinGen allele CA1632685.

ClinVar aggregate classification (germline): Likely benign (0 of 4 stars; one submission).

Conditions:
THADA-related disorder. Also called: THADA-related condition.

Allele frequency attached by ClinVar (database versions not stated): ExAC 0.00004; gnomAD 0.00006; TOPMed 0.00008; gnomAD exomes 0.00009; ESP Exome Variant Server 0.00024; 1000 Genomes Project 0.00040; 1000 Genomes Project 30x 0.00047.
gnomAD v4.1: 142 of 1,610,308 alleles (0.0088%); highest among the groups gnomAD compares: Non-Finnish European, 0.011%; no homozygotes.

Submission:

PreventionGenetics, part of Exact Sciences
Classification: Likely benign for THADA-related condition. Last evaluated: 2019-07-22. Review status: no assertion criteria provided. Collection method: clinical testing. Allele origin: germline.
Comment: This variant is classified as likely benign based on ACMG/AMP sequence variant interpretation guidelines (Richards et al. 2015 PMID: 25741868, with internal and published modifications).